The following is an entry in ClinVar:

NM_004104.5(FASN):c.4606C>G (p.Leu1536Val)

Gene: FASN (fatty acid synthase; minus strand). Cytogenetic location: 17q25.3.
Variant type: single nucleotide variant.
Coding change: c.4606C>G on transcript NM_004104.5 (MANE Select); coding-DNA position 4606, C replaced by G.
Protein change: p.Leu1536Val; replaces leucine 1536 with valine.
Molecular consequence: missense variant.
Genome position (GRCh38, 1-based): chr17:82,084,675, G>C on the plus strand (C>G on the coding strand, the complement: FASN is on the minus strand). VCF-style: chr17-82084675-G-C. GRCh37 (hg19) VCF-style: chr17-80042551-G-C.
Other names: short protein forms L1536V.
Identifiers: ClinVar variation 664076 (VCV000664076.8), dbSNP rs1282919586, ClinGen allele CA401545708.

ClinVar aggregate classification (germline): Uncertain significance (1 of 4 stars; one submission).

Conditions:
Epileptic encephalopathy. Identifiers: MedGen C0543888, HP:0200134.

gnomAD v4.1: 8 of 1,583,822 alleles (0.00051%); highest among the groups gnomAD compares: South Asian, 0.0034%; no homozygotes.

Submission:

Labcorp Genetics (formerly Invitae), Labcorp
Classification: Uncertain significance for Epileptic encephalopathy. Last evaluated: 2022-02-04. Review status: criteria provided, single submitter. Criteria: Invitae Variant Classification Sherloc (09022015). Collection method: clinical testing. Allele origin: germline.
Comment: This sequence change replaces leucine, which is neutral and non-polar, with valine, which is neutral and non-polar, at codon 1536 of the FASN protein (p.Leu1536Val). This variant is not present in population databases (gnomAD no frequency). This variant has not been reported in the literature in individuals affected with FASN-related conditions. ClinVar contains an entry for this variant (Variation ID: 664076). Algorithms developed to predict the effect of missense changes on protein structure and function are either unavailable or do not agree on the potential impact of this missense change (SIFT: "Deleterious"; PolyPhen-2: "Possibly Damaging"; Align-GVGD: "Class C15"). In summary, the available evidence is currently insufficient to determine the role of this variant in disease. Therefore, it has been classified as a Variant of Uncertain Significance.